The following is an entry in ClinVar:

ClinVar aggregate classification (germline): Uncertain significance (1 of 4 stars; one submission).

Conditions:
Hereditary cancer-predisposing syndrome. Also called: Neoplastic Syndromes, Hereditary; Tumor predisposition; Hereditary Cancer Syndrome; Hereditary neoplastic syndrome. Identifiers: Orphanet 140162, MedGen C0027672, MeSH D009386, MONDO:0015356.

Submission:

Ambry Genetics
Classification: Uncertain significance for Hereditary cancer-predisposing syndrome. Last evaluated: 2026-05-26. Review status: criteria provided, single submitter. Criteria: Ambry Variant Classification Scheme 2023. Collection method: clinical testing. Allele origin: germline.
Comment: The p.D743G variant (also known as c.2228A>G), located in coding exon 14 of the SMARCA4 gene, results from an A to G substitution at nucleotide position 2228. The aspartic acid at codon 743 is replaced by glycine, an amino acid with similar properties. This amino acid position is conserved. In addition, the in silico prediction for this alteration is inconclusive. Based on the available evidence, the clinical significance of this variant remains unclear.

NM_003072.5(SMARCA4):c.2228A>G (p.Asp743Gly)

Gene: SMARCA4 (SWI/SNF related BAF chromatin remodeling complex subunit ATPase 4; plus strand). Cytogenetic location: 19p13.2.
Variant type: single nucleotide variant.
Coding change: c.2228A>G on transcript NM_003072.5 (MANE Select); coding-DNA position 2228, A replaced by G.
Protein change: p.Asp743Gly; replaces aspartic acid 743 with glycine.
Molecular consequence: missense variant. On other transcripts: non-coding transcript variant (1).
Genome position (GRCh38, 1-based): chr19:11,010,485, A>G. VCF-style: chr19-11010485-A-G. GRCh37 (hg19) VCF-style: chr19-11121161-A-G.
Other names: c.2228A>G, p.Asp743Gly (NM_001128844.3, NM_001128845.2, NM_001128846.2 and 6 more transcripts); short protein forms D743G.
Identifiers: ClinVar variation 4864792 (VCV004864792.1).